The following is an entry in ClinVar:

ClinVar aggregate classification (germline): Uncertain significance. Review status: criteria provided, multiple submitters, no conflicts (2 of 4 stars). 2 submissions from 2 submitters: Uncertain significance (2). Last evaluated 2024-02-08.

Conditions:
Gorlin syndrome. Also called: Nevoid Basal Cell Carcinoma Syndrome; Basal cell nevus syndrome. Identifiers: Orphanet 377, MedGen C0004779, MONDO:0007187.
Hereditary cancer-predisposing syndrome. Also called: Hereditary Cancer Syndrome; Tumor predisposition; Neoplastic Syndromes, Hereditary; Hereditary neoplastic syndrome. Identifiers: Orphanet 140162, MedGen C0027672, MeSH D009386, MONDO:0015356.

Submissions (2):

Labcorp Genetics (formerly Invitae), Labcorp
Classification: Uncertain significance for Gorlin syndrome. Last evaluated: 2024-02-08. Review status: criteria provided, single submitter. Criteria: Invitae Variant Classification Sherloc (09022015). Collection method: clinical testing. Allele origin: germline.
Comment: This sequence change replaces glutamine, which is neutral and polar, with arginine, which is basic and polar, at codon 84 of the PTCH1 protein (p.Gln84Arg). This variant is not present in population databases (gnomAD no frequency). This variant has not been reported in the literature in individuals affected with PTCH1-related conditions. Advanced modeling of protein sequence and biophysical properties (such as structural, functional, and spatial information, amino acid conservation, physicochemical variation, residue mobility, and thermodynamic stability) performed at Invitae indicates that this missense variant is not expected to disrupt PTCH1 protein function with a negative predictive value of 95%. In summary, the available evidence is currently insufficient to determine the role of this variant in disease. Therefore, it has been classified as a Variant of Uncertain Significance.

Ambry Genetics
Classification: Uncertain significance for Hereditary cancer-predisposing syndrome. Last evaluated: 2023-12-31. Review status: criteria provided, single submitter. Criteria: Ambry Variant Classification Scheme 2023. Collection method: clinical testing. Allele origin: germline.
Comment: The p.Q84R variant (also known as c.251A>G), located in coding exon 2 of the PTCH1 gene, results from an A to G substitution at nucleotide position 251. The glutamine at codon 84 is replaced by arginine, an amino acid with highly similar properties. This amino acid position is conserved. In addition, this alteration is predicted to be deleterious by in silico analysis. Since supporting evidence is limited at this time, the clinical significance of this alteration remains unclear.

NM_000264.5(PTCH1):c.251A>G (p.Gln84Arg)

Gene: PTCH1 (patched 1; minus strand). Cytogenetic location: 9q22.32.
Variant type: single nucleotide variant.
Coding change: c.251A>G on transcript NM_000264.5 (MANE Select); coding-DNA position 251, A replaced by G.
Protein change: p.Gln84Arg; replaces glutamine 84 with arginine.
Molecular consequence: missense variant. On other transcripts: 5 prime UTR variant (4), non-coding transcript variant (1).
Genome position (GRCh38, 1-based): chr9:95,506,550, T>C on the plus strand (A>G on the coding strand, the complement: PTCH1 is on the minus strand). VCF-style: chr9-95506550-T-C. GRCh37 (hg19) VCF-style: chr9-98268832-T-C.
Other names: c.53A>G, p.Gln18Arg (NM_001083602.3, NM_001354919.2); c.248A>G, p.Gln83Arg (NM_001083603.3); c.-203A>G (NM_001083604.3, NM_001083605.3, NM_001083606.3 and 1 more transcripts); c.251A>G, p.Gln84Arg (NM_001354918.2); short protein forms Q18R, Q83R, Q84R.
Identifiers: ClinVar variation 3230982 (VCV003230982.3), dbSNP rs2118880004, ClinGen allele CA374120533.